The following is an entry in ClinVar:

NM_024301.5(FKRP):c.266C>T (p.Pro89Leu)

Gene: FKRP (fukutin related protein; plus strand). Cytogenetic location: 19q13.32.
Variant type: single nucleotide variant.
Coding change: c.266C>T on transcript NM_024301.5 (MANE Select); coding-DNA position 266, C replaced by T.
Protein change: p.Pro89Leu; replaces proline 89 with leucine.
Molecular consequence: missense variant.
Genome position (GRCh38, 1-based): chr19:46,755,716, C>T. VCF-style: chr19-46755716-C-T. GRCh37 (hg19) VCF-style: chr19-47258973-C-T.
Other names: c.266C>T, p.Pro89Leu (NM_001039885.3); short protein forms P89L.
Identifiers: ClinVar variation 551007 (VCV000551007.19), dbSNP rs770711331, ClinGen allele CA9532135.

ClinVar aggregate classification (germline): Pathogenic/Likely pathogenic. Review status: criteria provided, multiple submitters, no conflicts (2 of 4 stars). 8 submissions from 8 submitters: Pathogenic (3); Likely pathogenic (4). 1 of the submissions does not count toward it. Last evaluated 2025-05-13.

Conditions:
Cardiovascular phenotype. Identifiers: MedGen CN230736.
FKRP-related disorder. Also called: FKRP-related condition.
Walker-Warburg congenital muscular dystrophy. Also called: Muscular dystrophy-dystroglycanopathy, type A; Walker-Warburg syndrome. Identifiers: Orphanet 899, MedGen C0265221, MONDO:0000171.
Autosomal recessive limb-girdle muscular dystrophy type 2I. Also called: MUSCULAR DYSTROPHY-DYSTROGLYCANOPATHY (LIMB-GIRDLE), TYPE C, 5; MUSCULAR DYSTROPHY-DYSTROGLYCANOPATHY, LIMB-GIRDLE, FRKP-RELATED; MUSCULAR DYSTROPHY, LIMB-GIRDLE, TYPE 2I. Identifiers: Orphanet 34515, MedGen C1846672, MONDO:0011787, OMIM 607155.
Muscular dystrophy-dystroglycanopathy (congenital with brain and eye anomalies), type A5. Also called: WALKER-WARBURG SYNDROME OR MUSCLE-EYE-BRAIN DISEASE, FKRP-RELATED; MUSCULAR DYSTROPHY-DYSTROGLYCANOPATHY (CONGENITAL WITH BRAIN AND EYE ANOMALIES), TYPE A, 5. Identifiers: Orphanet 588, Orphanet 899, MedGen C3150413, MONDO:0013157, OMIM 613153.
Muscular dystrophy-dystroglycanopathy type B5 (MDDGB5). Also called: MUSCULAR DYSTROPHY-DYSTROGLYCANOPATHY (CONGENITAL WITH OR WITHOUT IMPAIRED INTELLECTUAL DEVELOPMENT), TYPE B, 5; MUSCULAR DYSTROPHY, CONGENITAL, 1C; MUSCULAR DYSTROPHY, CONGENITAL, FKRP-RELATED. Identifiers: MedGen C1847759, MONDO:0011688, OMIM 606612.
Muscular dystrophy-dystroglycanopathy (congenital with brain and eye anomalies), type A1 (MDDGA1). Also called: WALKER-WARBURG SYNDROME OR MUSCLE-EYE-BRAIN DISEASE, POMT1-RELATED; Muscular dystrophy-dystroglycanopathy (congenital with brain and eye anomalies), type A, 1; Hydrocephalus, agyria and retinal dysplasia; Hard +/- E syndrome; Warburg syndrome; Chemke syndrome. Identifiers: Orphanet 588, Orphanet 899, MedGen C4284790, MONDO:0009364, OMIM 236670.

Allele frequency attached by ClinVar (database versions not stated): gnomAD exomes 0.00001 and 0.00002; ExAC 0.00002.
gnomAD v4.1: 13 of 1,576,734 alleles (0.00082%); highest among the groups gnomAD compares: South Asian, 0.0023%; no homozygotes.

Submissions (8):

Natera, Inc.
Classification: Likely pathogenic for Limb-girdle muscular dystrophy type 2I. Last evaluated: 2025-05-13. Review status: criteria provided, single submitter. Criteria: Natera Variant Classification Schema (03/2026). Collection method: clinical testing. Allele origin: germline.
Comment: The c.266C>T variant in FKRP is a missense variant predicted to cause substitution of proline to leucine at amino acid 89. This variant is rare in the general population with a frequency below the threshold expected for the associated phenotype(s). This variant has been observed in one or more individuals affected with the associated recessive disease, as either homozygous or compound heterozygous with a second variant (PMID: 18691338, 28688748, 17446099, 16368217, 29101272). A different variant at the same position has been determined to be Pathogenic or Likely Pathogenic. Computational prediction algorithms indicate this variant is likely to affect gene or protein function. Given the available evidence, this variant is classified as Likely Pathogenic.

Ambry Genetics
Classification: Pathogenic for Cardiovascular phenotype. Last evaluated: 2024-10-16. Review status: criteria provided, single submitter. Criteria: Ambry Variant Classification Scheme 2023. Collection method: clinical testing. Allele origin: germline.
Comment: The p.P89L pathogenic mutation (also known as c.266C>T), located in coding exon 1 of the FKRP gene, results from a C to T substitution at nucleotide position 266. The proline at codon 89 is replaced by leucine, an amino acid with similar properties. This variant has been identified in the homozygous state and/or in conjunction with other FKRP variant(s) in individual(s) with features consistent with FKRP-related dystroglycanopathies (Vieira NM et al. Neuromuscul Disord, 2006 Dec;16:870-3; Quijano-Roy S et al. Brain Dev, 2006 May;28:232-42; Darin N et al. Eur J Paediatr Neurol, 2007 Nov;11:353-7; Wahbi K et al. Neuromuscul Disord, 2008 Aug;18:650-5; Jimenez-Mallebrera C et al. Brain Pathol, 2009 Oct;19:596-611; Carlson CR et al. Neurology, 2017 Dec;89:2374-2380; Murphy LB et al. Ann Clin Transl Neurol, 2020 May;7:757-766; Nallamilli BRR et al. Ann Clin Transl Neurol, 2023 Nov;10:2092-2104). This amino acid position is highly conserved in available vertebrate species. In addition, this alteration is predicted to be deleterious by in silico analysis. This variant is considered to be rare based on population cohorts in the Genome Aggregation Database (gnomAD). Based on the supporting evidence, this variant is interpreted as a disease-causing mutation.

Baylor Genetics
Classification: Pathogenic for Muscular dystrophy-dystroglycanopathy (congenital with brain and eye anomalies), type A5. Last evaluated: 2024-02-27. Review status: criteria provided, single submitter. Criteria: ACMG Guidelines, 2015. Collection method: clinical testing. Allele origin: unknown.

Labcorp Genetics (formerly Invitae), Labcorp
Classification: Pathogenic for Walker-Warburg congenital muscular dystrophy. Last evaluated: 2024-02-04. Review status: criteria provided, single submitter. Criteria: Invitae Variant Classification Sherloc (09022015). Collection method: clinical testing. Allele origin: germline.
Comment: This sequence change replaces proline, which is neutral and non-polar, with leucine, which is neutral and non-polar, at codon 89 of the FKRP protein (p.Pro89Leu). The frequency data for this variant in the population databases is considered unreliable, as metrics indicate poor data quality at this position in the gnomAD database. This missense change has been observed in individuals with muscular dystrophy (PMID: 16368217, 17446099, 18639457, 18691338). ClinVar contains an entry for this variant (Variation ID: 551007). Advanced modeling of protein sequence and biophysical properties (such as structural, functional, and spatial information, amino acid conservation, physicochemical variation, residue mobility, and thermodynamic stability) performed at Invitae indicates that this missense variant is expected to disrupt FKRP protein function with a positive predictive value of 95%. This variant disrupts the p.Pro89 amino acid residue in FKRP. Other variant(s) that disrupt this residue have been observed in individuals with FKRP-related conditions (PMID: 15833426, 17113772), which suggests that this may be a clinically significant amino acid residue. For these reasons, this variant has been classified as Pathogenic.

Blueprint Genetics
Classification: Likely pathogenic for FKRP-related disorders. Last evaluated: 2021-12-13. Review status: criteria provided, single submitter. Criteria: ACMG Guidelines, 2015. Collection method: clinical testing. Allele origin: germline. Affected: yes. Observed: 2 variant alleles.

Fulgent Genetics
Classification: Likely pathogenic for Muscular dystrophy-dystroglycanopathy (congenital with brain and eye anomalies), type A1; Muscular dystrophy-dystroglycanopathy type B5; Autosomal recessive limb-girdle muscular dystrophy type 2I; Muscular dystrophy-dystroglycanopathy (congenital with brain and eye anomalies), type A5. Last evaluated: 2021-10-09. Review status: criteria provided, single submitter. Criteria: ACMG Guidelines, 2015. Collection method: clinical testing. Allele origin: unknown.

Revvity Omics, Revvity
Classification: Likely pathogenic. Last evaluated: 2021-07-30. Review status: criteria provided, single submitter. Criteria: ACMG Guidelines, 2015. Collection method: clinical testing. Allele origin: germline.

Counsyl
Classification: Likely pathogenic for Autosomal recessive limb-girdle muscular dystrophy type 2I. Last evaluated: 2017-03-07. Review status: no assertion criteria provided. Collection method: clinical testing. Allele origin: unknown. Not counted in ClinVar's aggregate classification.

Literature cited by the submitters: PubMed 18691338 (cited by 4 submitters); PubMed 28688748 (cited by Natera, Inc.); PubMed 17446099 (cited by 4 submitters); PubMed 16368217 (cited by 4 submitters); PubMed 29101272 (cited by Natera, Inc. and Ambry Genetics); PubMed 17113772 (cited by Ambry Genetics and Labcorp Genetics (formerly Invitae), Labcorp); PubMed 18639457 (cited by 3 submitters); PubMed 32342672 (cited by Ambry Genetics); PubMed 37688281 (cited by Ambry Genetics); PubMed 15833426 (cited by Labcorp Genetics (formerly Invitae), Labcorp).